The following is an entry in ClinVar:

NM_000455.5(STK11):c.92C>A (p.Ser31Tyr)

Gene: STK11 (serine/threonine kinase 11; plus strand). Cytogenetic location: 19p13.3.
Variant type: single nucleotide variant.
Coding change: c.92C>A on transcript NM_000455.5 (MANE Select); coding-DNA position 92, C replaced by A.
Protein change: p.Ser31Tyr; replaces serine 31 with tyrosine.
Molecular consequence: missense variant. On other transcripts: non-coding transcript variant (1).
Genome position (GRCh38, 1-based): chr19:1,207,005, C>A. VCF-style: chr19-1207005-C-A. GRCh37 (hg19) VCF-style: chr19-1207004-C-A.
Other names: c.92C>A, p.Ser31Tyr (NM_001407255.1); short protein forms S31Y.
Identifiers: ClinVar variation 3070821 (VCV003070821.1), dbSNP rs2145404849, ClinGen allele CA402943688.

ClinVar aggregate classification (germline): Uncertain significance (1 of 4 stars; one submission).

Conditions:
Peutz-Jeghers syndrome (PJS). Also called: POLYPOSIS, HAMARTOMATOUS INTESTINAL; POLYPS-AND-SPOTS SYNDROME; Peutz-Jeghers polyposis; Periorificial lentiginosis syndrome. Identifiers: Orphanet 2869, MedGen C0031269, MeSH D010580, MONDO:0008280, OMIM 175200.

Submission:

All of Us Research Program, National Institutes of Health
Classification: Uncertain significance for Peutz-Jeghers syndrome. Last evaluated: 2023-05-04. Review status: criteria provided, single submitter. Criteria: ACMG Guidelines, 2015. Collection method: clinical testing. Allele origin: germline. Inheritance: Autosomal dominant inheritance. Observed: 1 variant allele, 1 heterozygote.
Comment: This missense variant replaces serine with tyrosine at codon 31 of the STK11 protein. Computational prediction suggests that this variant may have deleterious impact on protein structure and function (internally defined REVEL score threshold >= 0.7, PMID: 27666373). To our knowledge, functional studies have not been reported for this variant. This variant has not been reported in individuals affected with STK11-related disorders in the literature. This variant has not been identified in the general population by the Genome Aggregation Database (gnomAD). The available evidence is insufficient to determine the role of this variant in disease conclusively. Therefore, this variant is classified as a Variant of Uncertain Significance.

This study involves interpretation of variants in research participants for the purpose of population health screening. Participant phenotype was not available at the time of variant classification. Additional details can be found in publication PMID: 35346344, PMCID: PMC8962531